The following is an entry in ClinVar:

ClinVar aggregate classification (germline): Uncertain significance (1 of 4 stars; one submission).

Submission:

Ambry Genetics
Classification: Uncertain significance. Last evaluated: 2024-10-17. Review status: criteria provided, single submitter. Criteria: Ambry Variant Classification Scheme 2023. Collection method: clinical testing. Allele origin: germline.
Comment: The p.D67N variant (also known as c.199G>A), located in coding exon 2 of the GEN1 gene, results from a G to A substitution at nucleotide position 199. The aspartic acid at codon 67 is replaced by asparagine, an amino acid with highly similar properties. This amino acid position is conserved. In addition, this alteration is predicted to be tolerated by in silico analysis. Based on the available evidence, the clinical significance of this variant remains unclear.

NM_001130009.3(GEN1):c.199G>A (p.Asp67Asn)

Gene: GEN1 (GEN1 Holliday junction 5' flap endonuclease; plus strand). Cytogenetic location: 2p24.2.
Variant type: single nucleotide variant.
Coding change: c.199G>A on transcript NM_001130009.3 (MANE Select); coding-DNA position 199, G replaced by A.
Protein change: p.Asp67Asn; replaces aspartic acid 67 with asparagine.
Molecular consequence: missense variant.
Genome position (GRCh38, 1-based): chr2:17,761,433, G>A. VCF-style: chr2-17761433-G-A. GRCh37 (hg19) VCF-style: chr2-17942700-G-A.
Other names: c.199G>A, p.Asp67Asn (NM_182625.5); short protein forms D67N.
Identifiers: ClinVar variation 3519705 (VCV003519705.1).